The following is an entry in ClinVar:

NM_000455.5(STK11):c.320A>C (p.His107Pro)

Gene: STK11 (serine/threonine kinase 11; plus strand). Cytogenetic location: 19p13.3.
Variant type: single nucleotide variant.
Coding change: c.320A>C on transcript NM_000455.5 (MANE Select); coding-DNA position 320, A replaced by C.
Protein change: p.His107Pro; replaces histidine 107 with proline.
Molecular consequence: missense variant. On other transcripts: non-coding transcript variant (1).
Genome position (GRCh38, 1-based): chr19:1,218,446, A>C. VCF-style: chr19-1218446-A-C. GRCh37 (hg19) VCF-style: chr19-1218445-A-C.
Other names: c.320A>C, p.His107Pro (NM_001407255.1); short protein forms H107P.
Identifiers: ClinVar variation 3963261 (VCV003963261.2).
Genomic context (GRCh38, chr19:1,218,446, plus strand): 5'-GGCTGATACACCCCTGTCCTCTCTGTCCCAGGGAAATTCAACTACTGAGGAGGTTACGGC[A>C]CAAAAATGTCATCCAGCTGGTGGATGTGTTATACAACGAAGAGAAGCAGAAAATATATCC-3'
Protein context (NP_000446.1, residues 97-117): KEIQLLRRLR[His107Pro]KNVIQLVDVL

ClinVar aggregate classification (germline): Uncertain significance (1 of 4 stars; one submission).

Conditions:
Hereditary cancer-predisposing syndrome. Also called: Neoplastic Syndromes, Hereditary; Tumor predisposition; Hereditary Cancer Syndrome; Hereditary neoplastic syndrome. Identifiers: Orphanet 140162, MedGen C0027672, MeSH D009386, MONDO:0015356.

Submission:

Ambry Genetics
Classification: Uncertain significance for Hereditary cancer-predisposing syndrome. Last evaluated: 2026-08-03. Review status: criteria provided, single submitter. Criteria: Ambry Variant Classification Scheme 2023. Collection method: clinical testing. Allele origin: germline.
Comment: The p.H107P variant (also known as c.320A>C), located in coding exon 2 of the STK11 gene, results from an A to C substitution at nucleotide position 320. The histidine at codon 107 is replaced by proline, an amino acid with similar properties. This amino acid position is highly conserved in available vertebrate species. In addition, this alteration is predicted to be deleterious by in silico analysis. Based on the available evidence, the clinical significance of this variant remains unclear.